The following is an entry in ClinVar:

ClinVar aggregate classification (germline): Likely benign. Review status: criteria provided, multiple submitters, no conflicts (2 of 4 stars). 3 submissions from 3 submitters: Likely benign (3). Last evaluated 2024-11-25.

Allele frequency attached by ClinVar (database versions not stated): ExAC 0.00003; gnomAD 0.00003 and 0.00004; gnomAD exomes 0.00006 and 0.00011; TOPMed 0.00006; ESP Exome Variant Server 0.00008.
gnomAD v4.1: 166 of 1,602,144 alleles (0.01%); highest among the groups gnomAD compares: Non-Finnish European, 0.014%; no homozygotes.

Submissions (3):

Blueprint Genetics
Classification: Likely benign. Last evaluated: 2024-11-25. Review status: criteria provided, single submitter. Criteria: ACMG Guidelines, 2015. Collection method: clinical testing. Allele origin: germline.

Labcorp Genetics (formerly Invitae), Labcorp
Classification: Likely benign. Last evaluated: 2024-05-09. Review status: criteria provided, single submitter. Criteria: Invitae Variant Classification Sherloc (09022015). Collection method: clinical testing. Allele origin: germline.

CeGaT Center for Human Genetics Tuebingen
Classification: Likely benign. Last evaluated: 2022-10-01. Review status: criteria provided, single submitter. Criteria: CeGaT Center For Human Genetics Tuebingen Variant Classification Criteria Version 2. Collection method: clinical testing. Allele origin: germline. Affected: yes. Observed: 2 variant alleles.
Comment: RIPK1: BP4, BP7

NM_001354930.2(RIPK1):c.1782G>C (p.Leu594=)

Gene: RIPK1 (receptor interacting serine/threonine kinase 1; plus strand). Cytogenetic location: 6p25.2.
Variant type: single nucleotide variant.
Coding change: c.1782G>C on transcript NM_001354930.2 (MANE Select); coding-DNA position 1782, G replaced by C.
Protein change: p.Leu594=; no amino-acid change (leucine 594 retained).
Molecular consequence: synonymous variant.
Genome position (GRCh38, 1-based): chr6:3,113,105, G>C. VCF-style: chr6-3113105-G-C. GRCh37 (hg19) VCF-style: chr6-3113339-G-C.
Other names: c.1293G>C, p.Leu431= (NM_001317061.3, NM_001354932.2, NM_001354933.2 and 1 more transcripts); c.1644G>C, p.Leu548= (NM_001354931.2); c.1782G>C, p.Leu594= (NM_003804.6).
Identifiers: ClinVar variation 1615046 (VCV001615046.33), dbSNP rs138400267, ClinGen allele CA3618519.